The following is an entry in ClinVar:

ClinVar aggregate classification (germline): Uncertain significance (1 of 4 stars; one submission).

Allele frequency attached by ClinVar (database versions not stated): ExAC 0.00001.
gnomAD v4.1: 4 of 1,614,224 alleles (0.00025%); highest among the groups gnomAD compares: South Asian, 0.0033%; no homozygotes.

Submission:

Labcorp Genetics (formerly Invitae), Labcorp
Classification: Uncertain significance. Last evaluated: 2024-03-07. Review status: criteria provided, single submitter. Criteria: Invitae Variant Classification Sherloc (09022015). Collection method: clinical testing. Allele origin: germline.
Comment: This sequence change replaces aspartic acid, which is acidic and polar, with glycine, which is neutral and non-polar, at codon 366 of the TERF2IP protein (p.Asp366Gly). This variant is present in population databases (rs746068598, gnomAD 0.003%). This variant has not been reported in the literature in individuals affected with TERF2IP-related conditions. An algorithm developed to predict the effect of missense changes on protein structure and function (PolyPhen-2) suggests that this variant is likely to be disruptive. In summary, the available evidence is currently insufficient to determine the role of this variant in disease. Therefore, it has been classified as a Variant of Uncertain Significance.

NM_018975.4(TERF2IP):c.1097A>G (p.Asp366Gly)

Gene: TERF2IP (TERF2 interacting protein; plus strand). Cytogenetic location: 16q23.1.
Variant type: single nucleotide variant.
Coding change: c.1097A>G on transcript NM_018975.4 (MANE Select); coding-DNA position 1097, A replaced by G.
Protein change: p.Asp366Gly; replaces aspartic acid 366 with glycine.
Molecular consequence: missense variant. On other transcripts: non-coding transcript variant (1).
Genome position (GRCh38, 1-based): chr16:75,656,508, A>G. VCF-style: chr16-75656508-A-G. GRCh37 (hg19) VCF-style: chr16-75690406-A-G.
Other names: short protein forms D366G.
Identifiers: ClinVar variation 2986984 (VCV002986984.3), dbSNP rs746068598, ClinGen allele CA8178166.